The following is an entry in ClinVar:

ClinVar aggregate classification (germline): Conflicting classifications of pathogenicity. Review status: criteria provided, conflicting classifications (1 of 4 stars). 2 submissions from 2 submitters: Uncertain significance (1); Likely benign (1). Last evaluated 2023-03-07.

Conditions:
Catecholaminergic polymorphic ventricular tachycardia (CVPT). Also called: Catecholamine-induced polymorphic ventricular tachycardia. Identifiers: Orphanet 3286, MedGen C5574922, MONDO:0017990.
Catecholaminergic polymorphic ventricular tachycardia 1. Also called: RYR2-Related Catecholaminergic Polymorphic Ventricular Tachycardia; VENTRICULAR TACHYCARDIA, CATECHOLAMINERGIC POLYMORPHIC, 1, WITH OR WITHOUT ATRIAL DYSFUNCTION AND/OR DILATED CARDIOMYOPATHY; VENTRICULAR TACHYCARDIA, STRESS-INDUCED POLYMORPHIC 1. Identifiers: Orphanet 3286, MedGen C1631597, MONDO:0011484, OMIM 604772.

Allele frequency attached by ClinVar (database versions not stated): ExAC 0.00001.
gnomAD v4.1: 1 of 1,564,422 alleles (0.000064%); highest among the groups gnomAD compares: South Asian, 0.0012%; no homozygotes.

Submissions (2):

All of Us Research Program, National Institutes of Health
Classification: Uncertain significance for Catecholaminergic polymorphic ventricular tachycardia. Last evaluated: 2023-03-07. Review status: criteria provided, single submitter. Criteria: ACMG Guidelines, 2015. Collection method: clinical testing. Allele origin: germline. Inheritance: Autosomal dominant inheritance. Observed: 1 variant allele, 1 heterozygote.
Comment: This variant is located in the RYR2 protein. To our knowledge, functional studies have not been reported for this variant. This variant has not been reported in individuals affected with RYR2-related disorders in the literature. This variant has been identified in 1/213826 chromosomes in the general population by the Genome Aggregation Database (gnomAD). The available evidence is insufficient to determine the role of this variant in disease conclusively. Therefore, this variant is classified as a Variant of Uncertain Significance.

This study involves interpretation of variants in research participants for the purpose of population health screening. Participant phenotype was not available at the time of variant classification. Additional details can be found in publication PMID: 35346344, PMCID: PMC8962531

Labcorp Genetics (formerly Invitae), Labcorp
Classification: Likely benign for Catecholaminergic polymorphic ventricular tachycardia 1. Last evaluated: 2022-11-06. Review status: criteria provided, single submitter. Criteria: Invitae Variant Classification Sherloc (09022015). Collection method: clinical testing. Allele origin: germline.

NM_001035.3(RYR2):c.3840C>T (p.Ser1280=)

Genes: RYR2 (ryanodine receptor 2; plus strand), LOC126806067 (BRD4-independent group 4 enhancer GRCh37_chr1:237753258-237754457; plus strand). Cytogenetic location: 1q43.
Variant type: single nucleotide variant.
Coding change: c.3840C>T on transcript NM_001035.3 (MANE Select); coding-DNA position 3840, C replaced by T.
Protein change: p.Ser1280=; no amino-acid change (serine 1280 retained).
Molecular consequence: synonymous variant.
Genome position (GRCh38, 1-based): chr1:237,590,672, C>T. VCF-style: chr1-237590672-C-T. GRCh37 (hg19) VCF-style: chr1-237753972-C-T.
Identifiers: ClinVar variation 2811750 (VCV002811750.4), dbSNP rs752970338, ClinGen allele CA072175.